The following is an entry in ClinVar:

ClinVar aggregate classification (germline): Uncertain significance (1 of 4 stars; one submission).

Conditions:
Nemaline myopathy 10 (NEM10). Identifiers: MedGen C4015360, MONDO:0014513, OMIM 616165.

Allele frequency attached by ClinVar (database versions not stated): gnomAD exomes below 0.00001.
gnomAD v4.1: 1 of 1,596,406 alleles (0.000063%); highest among the groups gnomAD compares: Non-Finnish European, 0.000085%; no homozygotes.

Submission:

Labcorp Genetics (formerly Invitae), Labcorp
Classification: Uncertain significance for Nemaline myopathy 10. Last evaluated: 2021-10-07. Review status: criteria provided, single submitter. Criteria: Invitae Variant Classification Sherloc (09022015). Collection method: clinical testing. Allele origin: germline.
Comment: In summary, the available evidence is currently insufficient to determine the role of this variant in disease. Therefore, it has been classified as a Variant of Uncertain Significance. Algorithms developed to predict the effect of missense changes on protein structure and function (SIFT, PolyPhen-2, Align-GVGD) all suggest that this variant is likely to be tolerated. This variant has not been reported in the literature in individuals affected with LMOD3-related conditions. This variant is not present in population databases (ExAC no frequency). This sequence change replaces arginine with isoleucine at codon 182 of the LMOD3 protein (p.Arg182Ile). The arginine residue is weakly conserved and there is a moderate physicochemical difference between arginine and isoleucine.

NM_198271.5(LMOD3):c.545G>T (p.Arg182Ile)

Gene: LMOD3 (leiomodin 3; minus strand). Cytogenetic location: 3p14.1.
Variant type: single nucleotide variant.
Coding change: c.545G>T on transcript NM_198271.5 (MANE Select); coding-DNA position 545, G replaced by T.
Protein change: p.Arg182Ile; replaces arginine 182 with isoleucine.
Molecular consequence: missense variant.
Genome position (GRCh38, 1-based): chr3:69,119,810, C>A on the plus strand (G>T on the coding strand, the complement: LMOD3 is on the minus strand). VCF-style: chr3-69119810-C-A. GRCh37 (hg19) VCF-style: chr3-69168961-C-A.
Other names: c.545G>T, p.Arg182Ile (NM_001304418.3); short protein forms R182I.
Identifiers: ClinVar variation 1368269 (VCV001368269.6), dbSNP rs2107526736, ClinGen allele CA353476057.